The following is an entry in ClinVar:

NM_001378120.1(MBD5):c.644G>A (p.Arg215His)

Gene: MBD5 (methyl-CpG binding domain protein 5; plus strand). Cytogenetic location: 2q23.1.
Variant type: single nucleotide variant.
Coding change: c.644G>A on transcript NM_001378120.1 (MANE Select); coding-DNA position 644, G replaced by A.
Protein change: p.Arg215His; replaces arginine 215 with histidine.
Molecular consequence: missense variant.
Genome position (GRCh38, 1-based): chr2:148,468,587, G>A. VCF-style: chr2-148468587-G-A. GRCh37 (hg19) VCF-style: chr2-149226156-G-A.
Other names: p.R215H:CGT>CAT; c.644G>A, p.Arg215His (NM_018328.5); short protein forms R215H.
Identifiers: ClinVar variation 206060 (VCV000206060.20), dbSNP rs771325235, ClinGen allele CA315776.

ClinVar aggregate classification (germline): Conflicting classifications of pathogenicity. Review status: criteria provided, conflicting classifications (1 of 4 stars). 5 submissions from 5 submitters: Uncertain significance (3); Benign (1); Likely benign (1). Last evaluated 2026-02-01.

Conditions:
Intellectual developmental disorder, autosomal dominant 1. Also called: Intellectual disability, autosomal dominant 1; MBD5 Haploinsufficiency. Identifiers: Orphanet 228402, MedGen C1969562, MONDO:0007974, OMIM 156200.

Allele frequency attached by ClinVar (database versions not stated): TOPMed 0.00001.
gnomAD v4.1: 8 of 1,613,820 alleles (0.0005%); highest among the groups gnomAD compares: Non-Finnish European, 0.00042%; no homozygotes.

Submissions (5):

CeGaT Center for Human Genetics Tuebingen
Classification: Uncertain significance. Last evaluated: 2026-02-01. Review status: criteria provided, single submitter. Criteria: CeGaT Center For Human Genetics Tuebingen Variant Classification Criteria Version 2. Collection method: clinical testing. Allele origin: germline. Affected: yes. Observed: 1 variant allele.

Labcorp Genetics (formerly Invitae), Labcorp
Classification: Likely benign for Intellectual developmental disorder, autosomal dominant 1. Last evaluated: 2025-09-09. Review status: criteria provided, single submitter. Criteria: Invitae Variant Classification Sherloc (09022015). Collection method: clinical testing. Allele origin: germline.

Mendelics
Classification: Benign. Last evaluated: 2022-05-04. Review status: criteria provided, single submitter. Criteria: Mendelics Assertion Criteria 2019. Collection method: clinical testing. Allele origin: germline.

Laboratorio de Genetica e Diagnostico Molecular, Hospital Israelita Albert Einstein
Classification: Uncertain significance for Intellectual developmental disorder, autosomal dominant 1. Last evaluated: 2021-11-01. Review status: criteria provided, single submitter. Criteria: ACMG Guidelines, 2015. Collection method: clinical testing. Allele origin: germline. Affected: yes.
Comment: ACMG classification criteria: PM2 moderate, BP4 supporting

GeneDx
Classification: Uncertain significance. Last evaluated: 2016-10-18. Review status: criteria provided, single submitter. Criteria: GeneDx Variant Classification (06012015). Collection method: clinical testing. Allele origin: germline. Affected: yes.
Comment: p.Arg215His (CGT>CAT): c.644 G>A in exon 9 of the MBD5 gene (NM_018328.4) The Arg215His variant has not been published as a mutation, nor has it been reported as a benign polymorphism to our knowledge. It was not observed in approximately 6,500 individuals of European and African American ancestry in the NHLBI Exome Sequencing Project, indicating it is not a common benign variant in these populations. The Arg215His variant is a conservative amino acid substitution, which is not likely to impact secondary protein structure as these residues share similar properties. This substitution occurs at a position that is conserved across species; however, to our knowledge, only deletions and frameshift mutations in MBD5 have been published in association with epilepsy. In silico analysis is inconsistent in its predictions as to whether or not the variant is damaging to the protein structure/function. Therefore, based on the currently available information, it is unclear whether this variant is a pathogenic mutation or a rare benign variant. The variant is found in INFANT-EPI panel(s).